The following is an entry in ClinVar:

NM_001378454.1(ALMS1):c.4400G>T (p.Gly1467Val)

Gene: ALMS1 (ALMS1 centrosome and basal body associated protein; plus strand). Cytogenetic location: 2p13.1.
Variant type: single nucleotide variant.
Coding change: c.4400G>T on transcript NM_001378454.1 (MANE Select); coding-DNA position 4400, G replaced by T.
Protein change: p.Gly1467Val; replaces glycine 1467 with valine.
Molecular consequence: missense variant.
Genome position (GRCh38, 1-based): chr2:73,450,927, G>T. VCF-style: chr2-73450927-G-T. GRCh37 (hg19) VCF-style: chr2-73678054-G-T.
Other names: c.4403G>T, p.Gly1468Val (NM_015120.4); short protein forms G1468V, G1467V.
Identifiers: ClinVar variation 240998 (VCV000240998.30), dbSNP rs78102263, ClinGen allele CA1713705.

ClinVar aggregate classification (germline): Conflicting classifications of pathogenicity. Review status: criteria provided, conflicting classifications (1 of 4 stars). 9 submissions from 9 submitters: Uncertain significance (3); Likely benign (5). 1 of the submissions does not count toward it. Last evaluated 2026-09-03.

Conditions:
Monogenic diabetes. Identifiers: Orphanet 183625, MedGen C3888631, MONDO:0015967.
Cardiovascular phenotype. Identifiers: MedGen CN230736.
Alstrom syndrome (ALMS). Identifiers: Orphanet 64, MedGen C0268425, MONDO:0008763, OMIM 203800.

Allele frequency attached by ClinVar (database versions not stated): 1000 Genomes Project 30x 0.00109; 1000 Genomes Project 0.00060; TOPMed 0.00073; gnomAD 0.00063 and 0.00071; gnomAD exomes 0.00020; ExAC 0.00028; ESP Exome Variant Server 0.00067.
gnomAD v4.1: 219 of 1,613,756 alleles (0.014%); highest among the groups gnomAD compares: African/African-American, 0.27%; no homozygotes.

Submissions (9):

GeneDx
Classification: Uncertain significance. Last evaluated: 2026-09-03. Review status: criteria provided, single submitter. Criteria: GeneDx Variant Classification Process June 2021. Collection method: clinical testing. Allele origin: germline.
Comment: In silico analysis supports that this missense variant has a deleterious effect on protein structure/function; Has not been previously published as pathogenic or benign to our knowledge

Labcorp Genetics (formerly Invitae), Labcorp
Classification: Likely benign for Alstrom syndrome. Last evaluated: 2026-02-01. Review status: criteria provided, single submitter. Criteria: Invitae Variant Classification Sherloc (09022015). Collection method: clinical testing. Allele origin: germline.

Women's Health and Genetics/Laboratory Corporation of America, LabCorp
Classification: Likely benign. Last evaluated: 2025-09-29. Review status: criteria provided, single submitter. Criteria: LabCorp Variant Classification Summary - May 2015. Collection method: clinical testing. Allele origin: germline.
Comment: Variant summary: ALMS1 c.4397G>T (p.Gly1466Val) results in a non-conservative amino acid change in the encoded protein sequence. Algorithms developed to predict the effect of missense changes on protein structure and function are either unavailable or do not agree on the potential impact of this missense change. The variant allele was found at a frequency of 0.0002 in 249198 control chromosomes, predominantly at a frequency of 0.0032 within the African or African-American subpopulation in the gnomAD database. The observed variant frequency within African or African-American control individuals in the gnomAD database exceeds the estimated maximal expected allele frequency for disease-causing variants in ALMS1. To our knowledge, no occurrence of c.4397G>T in individuals affected with ALMS1-related conditions and no experimental evidence demonstrating its impact on protein function have been reported. ClinVar contains an entry for this variant (Variation ID: 240998). Based on the evidence outlined above, the variant was classified as likely benign.

Clinical Genomics Laboratory, Washington University in St. Louis
Classification: Uncertain significance for Alstrom syndrome. Last evaluated: 2024-05-30. Review status: criteria provided, single submitter. Criteria: ACMG Guidelines, 2015. Collection method: clinical testing. Allele origin: germline.
Comment: An ALMS1 c.4400G>T (p.Gly1467Val) variant was identified. This variant, to our knowledge, has not been reported in the medical literature. This variant has been reported in the ClinVar database as a variant of uncertain significance by one submitter and likely benign by multiple submitters (ClinVar ID: 240998). Computational predictors suggest that the variant does not impact ALMS1 function. Due to limited information, and based on ACMG/AMP guidelines for variant interpretation (Richards S et al., PMID: 25741868), the clinical significance of this variant is uncertain at this time.

Genetic Services Laboratory, University of Chicago
Classification: Likely benign. Last evaluated: 2021-07-16. Review status: criteria provided, single submitter. Criteria: ACMG Guidelines, 2015. Collection method: clinical testing. Allele origin: germline. Affected: no.

Ambry Genetics
Classification: Likely benign for Cardiovascular phenotype. Last evaluated: 2021-05-18. Review status: criteria provided, single submitter. Criteria: Ambry Variant Classification Scheme 2023. Collection method: clinical testing. Allele origin: germline.

Personalized Diabetes Medicine Program, University of Maryland School of Medicine
Classification: Likely benign for Monogenic diabetes. Last evaluated: 2018-12-07. Review status: criteria provided, single submitter. Criteria: ACMG Guidelines, 2015. Collection method: research. Allele origin: unknown. Observed: 1 variant allele, 1 heterozygote.
Comment: ACMG criteria: BP4 (REVEL 0.031 + 6 predictors; not using PP3/3 predictors) + BP1 (truncating cause disease) = likely benign

Clinical Genomics, Uppaluri K&H Personalized Medicine Clinic
Classification: Uncertain significance for Alstrom syndrome. Review status: criteria provided, single submitter. Criteria: K & H Uppaluri Personalized Medicine Clinic Variant Classification & Assertion Criteria_Updated V.1. Collection method: research. Allele origin: unknown. Inheritance: Autosomal recessive inheritance.
Comment: Potent mutations in ALMS1 are associated with a rare condition called Alstrom syndrome. It can cause excessive eating, insulin resistance. However, no evidence is found to ascertain the role of rs78102263 in Alstrom syndrome yet.

Natera, Inc.
Classification: Likely benign for Alstrom syndrome. Last evaluated: 2020-01-10. Review status: no assertion criteria provided. Collection method: clinical testing. Allele origin: germline. Not counted in ClinVar's aggregate classification.

Literature cited by the submitters: PubMed 34148947 (cited by Clinical Genomics, Uppaluri K&H Personalized Medicine Clinic); PubMed 25846608 (cited by Clinical Genomics, Uppaluri K&H Personalized Medicine Clinic); PubMed 30421101 (cited by Clinical Genomics, Uppaluri K&H Personalized Medicine Clinic); PubMed 33669459 (cited by Clinical Genomics, Uppaluri K&H Personalized Medicine Clinic).